The following is an entry in ClinVar:

ClinVar aggregate classification (germline): Uncertain significance (1 of 4 stars; one submission).

Conditions:
Coffin-Siris syndrome 1 (CSS1). Also called: ARID1B-Related Coffin-Siris Syndrome; Mental retardation, autosomal dominant 12. Identifiers: Orphanet 1465, MedGen C3281201, MONDO:0007617, OMIM 135900. Disease mechanism: gain of function.

Submission:

Dasa
Classification: Uncertain significance for Coffin-Siris syndrome 1. Last evaluated: 2026-02-19. Review status: criteria provided, single submitter. Criteria: DASA Assertion Criteria. Collection method: clinical testing. Allele origin: germline.
Comment: NM_001374828.1(ARID1B):c.2568G>A (p.Met856Ile) is a missense variant that results in the substitution of methionine with isoleucine. This variant is rare in population databases. The currently available literature and clinical evidence are not sufficient to establish a definitive association between this variant and the reported condition. Therefore, this variant is classified as a variant of uncertain significance.

NM_001374828.1(ARID1B):c.2568G>A (p.Met856Ile)

Gene: ARID1B (AT-rich interaction domain 1B; plus strand). Cytogenetic location: 6q25.3.
Variant type: single nucleotide variant.
Coding change: c.2568G>A on transcript NM_001374828.1 (MANE Select); coding-DNA position 2568, G replaced by A.
Protein change: p.Met856Ile; replaces methionine 856 with isoleucine.
Molecular consequence: missense variant. On other transcripts: intron variant (1).
Genome position (GRCh38, 1-based): chr6:157,110,548, G>A. VCF-style: chr6-157110548-G-A. GRCh37 (hg19) VCF-style: chr6-157431682-G-A.
Other names: c.69G>A, p.Met23Ile (NM_001363725.2, NM_001438488.1); c.2607G>A, p.Met869Ile (NM_001371656.1, NM_001374820.1); c.2568G>A, p.Met856Ile (NM_001438482.1, NM_001438487.1, NM_017519.3); c.2610G>A, p.Met870Ile (NM_001438483.1, NM_001438486.1); c.2492-22480G>A (NM_001438485.1); short protein forms M23I, M856I, M869I, M870I.
Identifiers: ClinVar variation 4881148 (VCV004881148.2).